The following is an entry in ClinVar:

ClinVar aggregate classification (germline): Uncertain significance. Review status: criteria provided, multiple submitters, no conflicts (2 of 4 stars). 4 submissions from 4 submitters: Uncertain significance (4). Last evaluated 2025-11-04.

Conditions:
Hereditary cancer-predisposing syndrome. Also called: Neoplastic Syndromes, Hereditary; Hereditary Cancer Syndrome; Hereditary neoplastic syndrome; Tumor predisposition. Identifiers: Orphanet 140162, MedGen C0027672, MeSH D009386, MONDO:0015356.
Pheochromocytoma/paraganglioma syndrome 4. Also called: PARAGANGLIOMA, FAMILIAL MALIGNANT; PARAGANGLIOMAS, HEREDITARY EXTRAADRENAL; PHEOCHROMOCYTOMA, FAMILIAL EXTRAADRENAL; Paragangliomas 4; CAROTID BODY TUMORS AND MULTIPLE EXTRAADRENAL PHEOCHROMOCYTOMAS; SDHB-Related Hereditary Paraganglioma-Pheochromocytoma Syndrome (Paragangliomas 4). Identifiers: Orphanet 29072, MedGen C1861848, MONDO:0007273, OMIM 115310.
Gastrointestinal stromal tumor. Also called: Gastrointestinal stroma tumor; Gastrointestinal stromal tumor, somatic. Identifiers: Orphanet 44890, MedGen C0238198, MeSH D046152, MONDO:0011719, OMIM 606764, HP:0100723.
Pheochromocytoma. Also called: MAX-Related Hereditary Paraganglioma-Pheochromocytoma Syndrome. Identifiers: Orphanet 29072, MedGen C0031511, MONDO:0008233, OMIM 171300, HP:0002666.
Hereditary pheochromocytoma and paraganglioma. Also called: Hereditary Paraganglioma-Pheochromocytoma Syndromes; Hereditary pheochromocytoma-paraganglioma; Hereditary paragangliomas and pheochromocytomas. Identifiers: Orphanet 29072, MedGen C4274332, MONDO:0017366.

Allele frequency attached by ClinVar (database versions not stated): gnomAD exomes below 0.00001; gnomAD 0.00001.
gnomAD v4.1: 6 of 1,614,136 alleles (0.00037%); highest among the groups gnomAD compares: Middle Eastern, 0.033%; no homozygotes.

Submissions (4):

Ambry Genetics
Classification: Uncertain significance for Hereditary cancer-predisposing syndrome. Last evaluated: 2025-11-04. Review status: criteria provided, single submitter. Criteria: Ambry Variant Classification Scheme 2023. Collection method: clinical testing. Allele origin: germline.
Comment: The p.D50H variant (also known as c.148G>C), located in coding exon 2 of the SDHB gene, results from a G to C substitution at nucleotide position 148. The aspartic acid at codon 50 is replaced by histidine, an amino acid with similar properties. This amino acid position is highly conserved in available vertebrate species. In addition, this alteration is predicted to be deleterious by in silico analysis. Based on the available evidence, the clinical significance of this alteration remains unclear.

Labcorp Genetics (formerly Invitae), Labcorp
Classification: Uncertain significance for Gastrointestinal stromal tumor; Pheochromocytoma/paraganglioma syndrome 4; Pheochromocytoma. Last evaluated: 2025-07-08. Review status: criteria provided, single submitter. Criteria: Invitae Variant Classification Sherloc (09022015). Collection method: clinical testing. Allele origin: germline.
Comment: This sequence change replaces aspartic acid, which is acidic and polar, with histidine, which is basic and polar, at codon 50 of the SDHB protein (p.Asp50His). This variant is present in population databases (no rsID available, gnomAD 0.0009%). This variant has not been reported in the literature in individuals affected with SDHB-related conditions. ClinVar contains an entry for this variant (Variation ID: 412483). Invitae Evidence Modeling of protein sequence and biophysical properties (such as structural, functional, and spatial information, amino acid conservation, physicochemical variation, residue mobility, and thermodynamic stability) indicates that this missense variant is not expected to disrupt SDHB protein function with a negative predictive value of 80%. In summary, the available evidence is currently insufficient to determine the role of this variant in disease. Therefore, it has been classified as a Variant of Uncertain Significance.

GeneDx
Classification: Uncertain significance. Last evaluated: 2024-10-22. Review status: criteria provided, single submitter. Criteria: GeneDx Variant Classification Process June 2021. Collection method: clinical testing. Allele origin: germline. Affected: yes.
Comment: Not observed at significant frequency in large population cohorts (gnomAD); In silico analysis supports that this missense variant has a deleterious effect on protein structure/function; Has not been previously published as pathogenic or benign to our knowledge

All of Us Research Program, National Institutes of Health
Classification: Uncertain significance for Hereditary pheochromocytoma and paraganglioma. Last evaluated: 2023-10-06. Review status: criteria provided, single submitter. Criteria: ACMG Guidelines, 2015. Collection method: clinical testing. Allele origin: germline. Inheritance: Autosomal dominant inheritance. Observed: 2 variant alleles, 2 heterozygotes.
Comment: This missense variant replaces aspartic acid with histidine at codon 50 of the SDHB protein. Computational prediction suggests that this variant may have deleterious impact on protein structure and function (internally defined REVEL score threshold >= 0.7, PMID: 27666373). To our knowledge, functional studies have not been reported for this variant. This variant has not been reported in individuals affected with SDHB-related disorders in the literature. This variant has been identified in 1/251384 chromosomes in the general population by the Genome Aggregation Database (gnomAD). The available evidence is insufficient to determine the role of this variant in disease conclusively. Therefore, this variant is classified as a Variant of Uncertain Significance.

This study involves interpretation of variants in research participants for the purpose of population health screening. Participant phenotype was not available at the time of variant classification. Additional details can be found in publication PMID: 35346344, PMCID: PMC8962531

NM_003000.3(SDHB):c.148G>C (p.Asp50His)

Gene: SDHB (succinate dehydrogenase complex iron sulfur subunit B; minus strand). Cytogenetic location: 1p36.13.
Variant type: single nucleotide variant.
Coding change: c.148G>C on transcript NM_003000.3 (MANE Select); coding-DNA position 148, G replaced by C.
Protein change: p.Asp50His; replaces aspartic acid 50 with histidine.
Molecular consequence: missense variant.
Genome position (GRCh38, 1-based): chr1:17,044,813, C>G on the plus strand (G>C on the coding strand, the complement: SDHB is on the minus strand). VCF-style: chr1-17044813-C-G. GRCh37 (hg19) VCF-style: chr1-17371308-C-G.
Other names: short protein forms D50H.
Identifiers: ClinVar variation 412483 (VCV000412483.10), dbSNP rs1060503765, ClinGen allele CA16609947.